The following is an entry in ClinVar:

NM_004100.5(EYA4):c.1187G>A (p.Gly396Asp)

Gene: EYA4 (EYA transcriptional coactivator and phosphatase 4; plus strand). Cytogenetic location: 6q23.2.
Variant type: single nucleotide variant.
Coding change: c.1187G>A on transcript NM_004100.5 (MANE Select); coding-DNA position 1187, G replaced by A.
Protein change: p.Gly396Asp; replaces glycine 396 with aspartic acid.
Molecular consequence: missense variant.
Genome position (GRCh38, 1-based): chr6:133,483,111, G>A. VCF-style: chr6-133483111-G-A. GRCh37 (hg19) VCF-style: chr6-133804249-G-A.
Other names: c.1025G>A, p.Gly342Asp (NM_001301012.2); c.1205G>A, p.Gly402Asp (NM_001301013.2); c.1118G>A, p.Gly373Asp (NM_001370458.1, NM_172103.4); c.1043G>A, p.Gly348Asp (NM_001370459.1); c.1187G>A, p.Gly396Asp (NM_172105.4); c.1187G>A (NM_004100.4); short protein forms G342D, G348D, G373D, G396D, G402D.
Identifiers: ClinVar variation 3604963 (VCV003604963.3).

ClinVar aggregate classification (germline): Uncertain significance. Review status: criteria provided, multiple submitters, no conflicts (2 of 4 stars). 2 submissions from 2 submitters: Uncertain significance (2). Last evaluated 2025-05-14.

Conditions:
Dilated cardiomyopathy 1J (CMD1J). Also called: CARDIOMYOPATHY, DILATED, WITH SENSORINEURAL HEARING LOSS, AUTOSOMAL DOMINANT. Identifiers: Orphanet 217622, MedGen C1854368, MONDO:0011541, OMIM 605362.
Cardiovascular phenotype. Identifiers: MedGen CN230736.

gnomAD v4.1: 6 of 1,608,442 alleles (0.00037%); highest among the groups gnomAD compares: Non-Finnish European, 0.00051%; no homozygotes.

Submissions (2):

Ambry Genetics
Classification: Uncertain significance for Cardiovascular phenotype. Last evaluated: 2025-05-14. Review status: criteria provided, single submitter. Criteria: Ambry Variant Classification Scheme 2023. Collection method: clinical testing. Allele origin: germline.
Comment: The p.G396D variant (also known as c.1187G>A), located in coding exon 12 of the EYA4 gene, results from a G to A substitution at nucleotide position 1187. The glycine at codon 396 is replaced by aspartic acid, an amino acid with similar properties. This amino acid position is conserved. In addition, this alteration is predicted to be deleterious by in silico analysis. Based on the available evidence, the clinical significance of this variant remains unclear.

Labcorp Genetics (formerly Invitae), Labcorp
Classification: Uncertain significance for Dilated cardiomyopathy 1J. Last evaluated: 2024-11-19. Review status: criteria provided, single submitter. Criteria: Invitae Variant Classification Sherloc (09022015). Collection method: clinical testing. Allele origin: germline.
Comment: This sequence change replaces glycine, which is neutral and non-polar, with aspartic acid, which is acidic and polar, at codon 396 of the EYA4 protein (p.Gly396Asp). This variant is present in population databases (rs757922684, gnomAD 0.004%). This variant has not been reported in the literature in individuals affected with EYA4-related conditions. Invitae Evidence Modeling of protein sequence and biophysical properties (such as structural, functional, and spatial information, amino acid conservation, physicochemical variation, residue mobility, and thermodynamic stability) has been performed for this missense variant. However, the output from this modeling did not meet the statistical confidence thresholds required to predict the impact of this variant on EYA4 protein function. In summary, the available evidence is currently insufficient to determine the role of this variant in disease. Therefore, it has been classified as a Variant of Uncertain Significance.